The following is an entry in ClinVar:

ClinVar aggregate classification (germline): Likely benign. Review status: criteria provided, single submitter (1 of 4 stars). 2 submissions from 2 submitters: Likely benign (1). 1 of the submissions does not count toward it. Last evaluated 2025-09-26.

Conditions:
Developmental and epileptic encephalopathy, 32 (DEE32). Also called: Epileptic encephalopathy, early infantile, 32. Identifiers: Orphanet 442835, MedGen C4225350, MONDO:0014607, OMIM 616366.
KCNA2-related disorder. Also called: KCNA2-related condition.

Allele frequency attached by ClinVar (database versions not stated): gnomAD 0.00004; TOPMed 0.00004; ESP Exome Variant Server 0.00008; gnomAD exomes 0.00011; ExAC 0.00014.
gnomAD v4.1: 68 of 1,613,868 alleles (0.0042%); highest among the groups gnomAD compares: East Asian, 0.027%; no homozygotes.

Submissions (2):

Labcorp Genetics (formerly Invitae), Labcorp
Classification: Likely benign for Developmental and epileptic encephalopathy, 32. Last evaluated: 2025-09-26. Review status: criteria provided, single submitter. Criteria: Invitae Variant Classification Sherloc (09022015). Collection method: clinical testing. Allele origin: germline.

PreventionGenetics, part of Exact Sciences
Classification: Likely benign for KCNA2-related condition. Last evaluated: 2023-05-16. Review status: no assertion criteria provided. Collection method: clinical testing. Allele origin: germline. Not counted in ClinVar's aggregate classification.
Comment: This variant is classified as likely benign based on ACMG/AMP sequence variant interpretation guidelines (Richards et al. 2015 PMID: 25741868, with internal and published modifications).

NM_004974.4(KCNA2):c.1061G>A (p.Arg354Gln)

Gene: KCNA2 (potassium voltage-gated channel subfamily A member 2; minus strand). Cytogenetic location: 1p13.3.
Variant type: single nucleotide variant.
Coding change: c.1061G>A on transcript NM_004974.4 (MANE Select); coding-DNA position 1061, G replaced by A.
Protein change: p.Arg354Gln; replaces arginine 354 with glutamine.
Molecular consequence: missense variant. On other transcripts: intron variant (1).
Genome position (GRCh38, 1-based): chr1:110,603,722, C>T on the plus strand (G>A on the coding strand, the complement: KCNA2 is on the minus strand). VCF-style: chr1-110603722-C-T. GRCh37 (hg19) VCF-style: chr1-111146344-C-T.
Other names: c.894+167G>A (NM_001204269.2); short protein forms R354Q.
Identifiers: ClinVar variation 855444 (VCV000855444.12), dbSNP rs374827915, ClinGen allele CA1000662.